The following is an entry in ClinVar:

ClinVar aggregate classification (germline): Uncertain significance (1 of 4 stars; one submission).

Conditions:
Hereditary cancer-predisposing syndrome. Also called: Tumor predisposition; Neoplastic Syndromes, Hereditary; Hereditary Cancer Syndrome; Hereditary neoplastic syndrome. Identifiers: Orphanet 140162, MedGen C0027672, MeSH D009386, MONDO:0015356.

gnomAD v4.1: 1 of 1,612,008 alleles (0.000062%); highest among the groups gnomAD compares: Non-Finnish European, 0.000085%; no homozygotes.

Submission:

Ambry Genetics
Classification: Uncertain significance for Hereditary cancer-predisposing syndrome. Last evaluated: 2025-01-17. Review status: criteria provided, single submitter. Criteria: Ambry Variant Classification Scheme 2023. Collection method: clinical testing. Allele origin: germline.
Comment: The p.P2158T variant (also known as c.6472C>A), located in coding exon 15 of the APC gene, results from a C to A substitution at nucleotide position 6472. The proline at codon 2158 is replaced by threonine, an amino acid with highly similar properties. This amino acid position is conserved. In addition, in silico predictors for this gene do not accurately predict pathogenicity. Based on the available evidence, the clinical significance of this variant remains unclear.

NM_000038.6(APC):c.6472C>A (p.Pro2158Thr)

Gene: APC (APC regulator of Wnt signaling pathway; plus strand). Cytogenetic location: 5q22.2.
Variant type: single nucleotide variant.
Coding change: c.6472C>A on transcript NM_000038.6 (MANE Select); coding-DNA position 6472, C replaced by A.
Protein change: p.Pro2158Thr; replaces proline 2158 with threonine.
Molecular consequence: missense variant. On other transcripts: non-coding transcript variant (2).
Genome position (GRCh38, 1-based): chr5:112,842,066, C>A. VCF-style: chr5-112842066-C-A. GRCh37 (hg19) VCF-style: chr5-112177763-C-A.
Other names: c.5320C>A, p.Pro1774Thr (NM_001407472.1, NM_001407471.1); c.6472C>A, p.Pro2158Thr (NM_001127510.3, NM_001354895.2, NM_001407450.1); c.6418C>A, p.Pro2140Thr (NM_001127511.3); c.6526C>A, p.Pro2176Thr (NM_001354896.2, NM_001407447.1, NM_001407448.1 and 1 more transcripts); c.6502C>A, p.Pro2168Thr (NM_001354897.2); c.6397C>A, p.Pro2133Thr (NM_001354898.2); c.6388C>A, p.Pro2130Thr (NM_001354899.2); c.6349C>A, p.Pro2117Thr (NM_001354900.2); and 11 more; short protein forms P2029T, P2130T, P2133T, P2168T, P2032T, P2057T, P2140T, P2151T.
Identifiers: ClinVar variation 3881882 (VCV003881882.1).